The following is an entry in ClinVar:

ClinVar aggregate classification (germline): Uncertain significance (1 of 4 stars; one submission).

Conditions:
Werner syndrome (WRN). Identifiers: Orphanet 902, MedGen C0043119, MONDO:0010196, OMIM 277700.

Allele frequency attached by ClinVar (database versions not stated): gnomAD exomes below 0.00001.
gnomAD v4.1: 1 of 1,608,226 alleles (0.000062%); highest among the groups gnomAD compares: Non-Finnish European, 0.000085%; no homozygotes.

Submission:

Labcorp Genetics (formerly Invitae), Labcorp
Classification: Uncertain significance for Werner syndrome. Last evaluated: 2025-10-13. Review status: criteria provided, single submitter. Criteria: Invitae Variant Classification Sherloc (09022015). Collection method: clinical testing. Allele origin: germline.
Comment: This sequence change falls in intron 22 of the WRN gene. It does not directly change the encoded amino acid sequence of the WRN protein. This variant is not present in population databases (gnomAD no frequency). This variant has not been reported in the literature in individuals affected with WRN-related conditions. ClinVar contains an entry for this variant (Variation ID: 1512526). Algorithms developed to predict the effect of sequence changes on RNA splicing suggest that this variant may disrupt the consensus splice site. In summary, the available evidence is currently insufficient to determine the role of this variant in disease. Therefore, it has been classified as a Variant of Uncertain Significance.

NM_000553.6(WRN):c.2733-16A>G

Gene: WRN (WRN RecQ like helicase; plus strand). Cytogenetic location: 8p12.
Variant type: single nucleotide variant.
Coding change: c.2733-16A>G on transcript NM_000553.6 (MANE Select); 16 bases into the intron before coding-DNA position 2733, A replaced by G.
Molecular consequence: intron variant.
Genome position (GRCh38, 1-based): chr8:31,124,892, A>G. VCF-style: chr8-31124892-A-G. GRCh37 (hg19) VCF-style: chr8-30982408-A-G.
Identifiers: ClinVar variation 1512526 (VCV001512526.6), dbSNP rs2130344195, ClinGen allele CA2573142671.